The following is an entry in ClinVar:

ClinVar aggregate classification (germline): Pathogenic (1 of 4 stars; one submission).

Submission:

Labcorp Genetics (formerly Invitae), Labcorp
Classification: Pathogenic. Last evaluated: 2024-11-19. Review status: criteria provided, single submitter. Criteria: Invitae Variant Classification Sherloc (09022015). Collection method: clinical testing. Allele origin: germline.
Comment: This sequence change creates a premature translational stop signal (p.Lys596*) in the C1S gene. While this is not anticipated to result in nonsense mediated decay, it is expected to disrupt the last 93 amino acid(s) of the C1S protein. This variant is not present in population databases (gnomAD no frequency). This variant has not been reported in the literature in individuals affected with C1S-related conditions. This variant disrupts a region of the C1S protein in which other variant(s) (p.Glu597*) have been determined to be pathogenic (PMID: 9973493, 19155518). This suggests that this is a clinically significant region of the protein, and that variants that disrupt it are likely to be disease-causing. For these reasons, this variant has been classified as Pathogenic.

Literature cited by the submitters: PubMed 9973493; PubMed 19155518.

NM_001734.5(C1S):c.1786A>T (p.Lys596Ter)

Gene: C1S (complement C1s; plus strand). Cytogenetic location: 12p13.31.
Variant type: single nucleotide variant.
Coding change: c.1786A>T on transcript NM_001734.5 (MANE Select); coding-DNA position 1786, A replaced by T.
Protein change: p.Lys596Ter; replaces lysine 596 with a stop codon.
Molecular consequence: nonsense.
Genome position (GRCh38, 1-based): chr12:7,070,370, A>T. VCF-style: chr12-7070370-A-T. GRCh37 (hg19) VCF-style: chr12-7177674-A-T.
Other names: c.1285A>T, p.Lys429Ter (NM_001346850.2); c.1786A>T, p.Lys596Ter (NM_201442.4); short protein forms K596*, K429*.
Identifiers: ClinVar variation 3639509 (VCV003639509.2).